The following is an entry in ClinVar:

NM_000091.5(COL4A3):c.1840G>A (p.Gly614Arg)

Genes: COL4A3 (collagen type IV alpha 3 chain; plus strand), MFF-DT (MFF divergent transcript; minus strand). Cytogenetic location: 2q36.3.
Variant type: single nucleotide variant.
Coding change: c.1840G>A on transcript NM_000091.5 (MANE Select); coding-DNA position 1840, G replaced by A.
Protein change: p.Gly614Arg; replaces glycine 614 with arginine.
Molecular consequence: missense variant.
Genome position (GRCh38, 1-based): chr2:227,273,030, G>A. VCF-style: chr2-227273030-G-A. GRCh37 (hg19) VCF-style: chr2-228137746-G-A.
Other names: short protein forms G614R.
Identifiers: ClinVar variation 4817206 (VCV004817206.1).

ClinVar aggregate classification (germline): Likely pathogenic (1 of 4 stars; one submission).

Conditions:
Alport syndrome. Also called: Hemorrhagic familial nephritis; Hemorrhagic hereditary nephritis; Congenital hereditary hematuria. Identifiers: Orphanet 63, MedGen C1567741, MONDO:0018965.

Submission:

Natera, Inc.
Classification: Likely pathogenic for Alport syndrome. Last evaluated: 2025-09-09. Review status: criteria provided, single submitter. Criteria: Natera Variant Classification Schema (03/2026). Collection method: clinical testing. Allele origin: germline.
Comment: The c.1840G>A variant in COL4A3 is a missense variant predicted to cause substitution of glycine to arginine at amino acid 614. This variant is rare in the general population with a frequency below the threshold expected for the associated phenotype(s). This variant is located in a functionally critical region of the protein. Computational prediction algorithms indicate this variant is likely to affect gene or protein function. Given the available evidence, this variant is classified as Likely Pathogenic.